The following is an entry in ClinVar:

Conditions:
Long QT syndrome 5 (LQT5). Identifiers: Orphanet 101016, Orphanet 768, MedGen C1867904, MONDO:0013372, OMIM 613695.

Submission:

Roden Lab, Vanderbilt University Medical Center
No classification provided (evidence only). Condition: Long QT syndrome 5. Review status: no classification provided. Collection method: in vitro. Allele origin: not applicable. Functional consequence: Effect on ion channel function.
ClinVar note: "not provided" was previously submitted as the classification for the variant. However, the classification appeared to be based only on an observation of functional data so it was converted to no classification on 2025-07-30.

NM_000219.6(KCNE1):c.95G>T (p.Arg32Leu)

Gene: KCNE1 (potassium voltage-gated channel subfamily E regulatory subunit 1; minus strand). Cytogenetic location: 21q22.12.
Variant type: single nucleotide variant.
Coding change: c.95G>T on transcript NM_000219.6 (MANE Select); coding-DNA position 95, G replaced by T.
Protein change: p.Arg32Leu; replaces arginine 32 with leucine.
Molecular consequence: missense variant.
Genome position (GRCh38, 1-based): chr21:34,449,540, C>A on the plus strand (G>T on the coding strand, the complement: KCNE1 is on the minus strand). VCF-style: chr21-34449540-C-A. GRCh37 (hg19) VCF-style: chr21-35821838-C-A.
Other names: c.95G>T, p.Arg32Leu (NM_001127668.4, NM_001127669.4, NM_001127670.4 and 4 more transcripts); short protein forms R32L.
Identifiers: ClinVar variation 3374034 (VCV003374034.2).